The following is an entry in ClinVar:

NM_000069.3(CACNA1S):c.2963G>A (p.Arg988His)

Gene: CACNA1S (calcium voltage-gated channel subunit alpha1 S; minus strand). Cytogenetic location: 1q32.1.
Variant type: single nucleotide variant.
Coding change: c.2963G>A on transcript NM_000069.3 (MANE Select); coding-DNA position 2963, G replaced by A.
Protein change: p.Arg988His; replaces arginine 988 with histidine.
Molecular consequence: missense variant.
Genome position (GRCh38, 1-based): chr1:201,062,034, C>T on the plus strand (G>A on the coding strand, the complement: CACNA1S is on the minus strand). VCF-style: chr1-201062034-C-T. GRCh37 (hg19) VCF-style: chr1-201031162-C-T.
Other names: short protein forms R988H.
Identifiers: ClinVar variation 642906 (VCV000642906.12), dbSNP rs747618077, ClinGen allele CA079453.

ClinVar aggregate classification (germline): Conflicting classifications of pathogenicity. Review status: criteria provided, conflicting classifications (1 of 4 stars). 5 submissions from 5 submitters: Uncertain significance (4); Likely benign (1). Last evaluated 2025-11-27.

Conditions:
Inborn genetic diseases. Identifiers: MedGen C0950123, MeSH D030342.
Hypokalemic periodic paralysis, type 1. Also called: Hypokalemic Periodic Paralysis Type 1 (AD); HypoPP. Identifiers: Orphanet 681, MedGen C3714580, MONDO:0042979, OMIM 170400.
Malignant hyperthermia, susceptibility to, 5 (MHS5). Also called: CACNA1S-Related Malignant Hyperthermia Susceptibility. Identifiers: Orphanet 423, MedGen C1866077, MONDO:0011163, OMIM 601887.
Congenital myopathy 18. Also called: Myopathy, congenital, due to dihydropyridine receptor defect; DIHYDROPYRIDINE RECEPTOR CONGENITAL MYOPATHY; DHPR CONGENITAL MYOPATHY. Identifiers: MedGen C5830283, MONDO:0859514, OMIM 620246.
Thyrotoxic periodic paralysis, susceptibility to, 1 (TTPP1). Identifiers: Orphanet 79102, MedGen C2749982, MONDO:0008570, OMIM 188580.

Allele frequency attached by ClinVar (database versions not stated): TOPMed 0.00004; ExAC 0.00008; gnomAD exomes 0.00010.

Submissions (5):

Labcorp Genetics (formerly Invitae), Labcorp
Classification: Likely benign for Hypokalemic periodic paralysis, type 1; Malignant hyperthermia, susceptibility to, 5. Last evaluated: 2025-11-27. Review status: criteria provided, single submitter. Criteria: Invitae Variant Classification Sherloc (09022015). Collection method: clinical testing. Allele origin: germline.

Fulgent Genetics
Classification: Uncertain significance for Hypokalemic periodic paralysis, type 1; Thyrotoxic periodic paralysis, susceptibility to, 1; Malignant hyperthermia, susceptibility to, 5; Congenital myopathy 18. Last evaluated: 2024-06-12. Review status: criteria provided, single submitter. Criteria: ACMG Guidelines, 2015. Collection method: clinical testing. Allele origin: germline.

Color Diagnostics, LLC DBA Color Health
Classification: Uncertain significance for Malignant hyperthermia, susceptibility to, 5. Last evaluated: 2024-04-17. Review status: criteria provided, single submitter. Criteria: ACMG Guidelines, 2015. Collection method: clinical testing. Allele origin: germline.
Comment: This missense variant replaces arginine with histidine at codon 988 of the CACNA1S protein. Computational prediction suggests that this variant may have deleterious impact on protein structure and function. To our knowledge, functional studies have not been reported for this variant. This variant has not been reported in individuals affected with CACNA1S-related disorders in the literature. This variant has been identified in 24/251146 chromosomes in the general population by the Genome Aggregation Database (gnomAD). The available evidence is insufficient to determine the role of this variant in disease conclusively. Therefore, this variant is classified as a Variant of Uncertain Significance.

Ambry Genetics
Classification: Uncertain significance for Inborn genetic diseases. Last evaluated: 2023-02-15. Review status: criteria provided, single submitter. Criteria: Ambry Variant Classification Scheme 2023. Collection method: clinical testing. Allele origin: germline.

Baylor Genetics
Classification: Uncertain significance for Hypokalemic periodic paralysis, type 1. Last evaluated: 2018-10-24. Review status: criteria provided, single submitter. Criteria: ACMG Guidelines, 2015. Collection method: clinical testing. Allele origin: maternal. Affected: yes.
Comment: This variant was determined to be of uncertain significance according to ACMG Guidelines, 2015 [PMID:25741868].